The following is an entry in ClinVar:

ClinVar aggregate classification (germline): Uncertain significance (1 of 4 stars; one submission).

Submission:

Labcorp Genetics (formerly Invitae), Labcorp
Classification: Uncertain significance. Last evaluated: 2025-12-08. Review status: criteria provided, single submitter. Criteria: Invitae Variant Classification Sherloc (09022015). Collection method: clinical testing. Allele origin: germline.
Comment: This sequence change replaces cysteine, which is neutral and slightly polar, with serine, which is neutral and polar, at codon 228 of the LZTR1 protein (p.Cys228Ser). This variant is not present in population databases (gnomAD no frequency). This variant has not been reported in the literature in individuals affected with LZTR1-related conditions. Invitae Evidence Modeling of protein sequence and biophysical properties (such as structural, functional, and spatial information, amino acid conservation, physicochemical variation, residue mobility, and thermodynamic stability) indicates that this missense variant is not expected to disrupt LZTR1 protein function with a negative predictive value of 80%. In summary, the available evidence is currently insufficient to determine the role of this variant in disease. Therefore, it has been classified as a Variant of Uncertain Significance.

NM_006767.4(LZTR1):c.682T>A (p.Cys228Ser)

Gene: LZTR1 (leucine zipper like post translational regulator 1; plus strand). Cytogenetic location: 22q11.21.
Variant type: single nucleotide variant.
Coding change: c.682T>A on transcript NM_006767.4 (MANE Select); coding-DNA position 682, T replaced by A.
Protein change: p.Cys228Ser; replaces cysteine 228 with serine.
Molecular consequence: missense variant.
Genome position (GRCh38, 1-based): chr22:20,990,416, T>A. VCF-style: chr22-20990416-T-A. GRCh37 (hg19) VCF-style: chr22-21344705-T-A.
Other names: short protein forms C228S.
Identifiers: ClinVar variation 4745570 (VCV004745570.1).